The following is an entry in ClinVar:

NM_001062.4(TCN1):c.1027A>T (p.Asn343Tyr)

Gene: TCN1 (transcobalamin 1; minus strand). Cytogenetic location: 11q12.1.
Variant type: single nucleotide variant.
Coding change: c.1027A>T on transcript NM_001062.4 (MANE Select); coding-DNA position 1027, A replaced by T.
Protein change: p.Asn343Tyr; replaces asparagine 343 with tyrosine.
Molecular consequence: missense variant.
Genome position (GRCh38, 1-based): chr11:59,854,746, T>A on the plus strand (A>T on the coding strand, the complement: TCN1 is on the minus strand). VCF-style: chr11-59854746-T-A. GRCh37 (hg19) VCF-style: chr11-59622219-T-A.
Other names: short protein forms N343Y.
Identifiers: ClinVar variation 4728429 (VCV004728429.1).

ClinVar aggregate classification (germline): Uncertain significance (1 of 4 stars; one submission).

Conditions:
Transcobalamin I deficiency (TCN1D). Also called: COBALAMIN PSEUDODEFICIENCY DUE TO TRANSCOBALAMIN DEFICIENCY; COBALAMIN R BINDER PROTEIN DEFICIENCY; TCN1 DEFICIENCY. Identifiers: Orphanet 2967, MedGen C0342700, MONDO:0008659, OMIM 193090.

Submission:

Labcorp Genetics (formerly Invitae), Labcorp
Classification: Uncertain significance for Transcobalamin I deficiency. Last evaluated: 2025-10-04. Review status: criteria provided, single submitter. Criteria: Invitae Variant Classification Sherloc (09022015). Collection method: clinical testing. Allele origin: germline.
Comment: This sequence change replaces asparagine, which is neutral and polar, with tyrosine, which is neutral and polar, at codon 343 of the TCN1 protein (p.Asn343Tyr). This variant is not present in population databases (gnomAD no frequency). This variant has not been reported in the literature in individuals affected with TCN1-related conditions. An algorithm developed to predict the effect of missense changes on protein structure and function (PolyPhen-2) suggests that this variant is likely to be disruptive. In summary, the available evidence is currently insufficient to determine the role of this variant in disease. Therefore, it has been classified as a Variant of Uncertain Significance.